The following is an entry in ClinVar:

NM_003119.4(SPG7):c.1082C>T (p.Ala361Val)

Gene: SPG7 (SPG7 matrix AAA peptidase subunit, paraplegin; plus strand). Cytogenetic location: 16q24.3.
Variant type: single nucleotide variant.
Coding change: c.1082C>T on transcript NM_003119.4 (MANE Select); coding-DNA position 1082, C replaced by T.
Protein change: p.Ala361Val; replaces alanine 361 with valine.
Molecular consequence: missense variant.
Genome position (GRCh38, 1-based): chr16:89,531,998, C>T. VCF-style: chr16-89531998-C-T. GRCh37 (hg19) VCF-style: chr16-89598406-C-T.
Other names: c.1082C>T, p.Ala361Val (NM_001363850.1, NM_199367.3); short protein forms A361V.
Identifiers: ClinVar variation 3629538 (VCV003629538.3).
Genomic context (GRCh38, chr16:89,531,998, plus strand): 5'-TCCCAAAGGGCGCACTGCTGCTCGGCCCCCCCGGCTGTGGGAAGACGCTGCTGGCCAAGG[C>T]GGTGGCCACGGAGGCTCAGGTGCCCTTCCTGGCGATGGCCGGCCCAGAGTTCGTGGAGGT-3'
Protein context (NP_003110.1, residues 351-371): PGCGKTLLAK[Ala361Val]VATEAQVPFL

ClinVar aggregate classification (germline): Uncertain significance. Review status: criteria provided, multiple submitters, no conflicts (2 of 4 stars). 2 submissions from 2 submitters: Uncertain significance (2). Last evaluated 2025-03-12.

Conditions:
Hereditary spastic paraplegia 7 (SPG7). Also called: SPASTIC PARAPLEGIA 7, AUTOSOMAL RECESSIVE, WITH OR WITHOUT CEREBELLAR ATAXIA; SPG7-related neurologic disorder; Spastic paraplegia 7; Hereditary spastic paraplegia Paraplegin type; Autosomal recessive spastic paraplegia type 7. Identifiers: Orphanet 99013, MedGen C1846564, MONDO:0011803, OMIM 607259.

Submissions (2):

Labcorp Genetics (formerly Invitae), Labcorp
Classification: Uncertain significance for Hereditary spastic paraplegia 7. Last evaluated: 2025-03-12. Review status: criteria provided, single submitter. Criteria: Invitae Variant Classification Sherloc (09022015). Collection method: clinical testing. Allele origin: germline.
Comment: This sequence change replaces alanine, which is neutral and non-polar, with valine, which is neutral and non-polar, at codon 361 of the SPG7 protein (p.Ala361Val). This variant is not present in population databases (gnomAD no frequency). This variant has not been reported in the literature in individuals affected with SPG7-related conditions. Invitae Evidence Modeling of protein sequence and biophysical properties (such as structural, functional, and spatial information, amino acid conservation, physicochemical variation, residue mobility, and thermodynamic stability) indicates that this missense variant is expected to disrupt SPG7 protein function with a positive predictive value of 80%. In summary, the available evidence is currently insufficient to determine the role of this variant in disease. Therefore, it has been classified as a Variant of Uncertain Significance.

Women's Health and Genetics/Laboratory Corporation of America, LabCorp
Classification: Uncertain significance. Last evaluated: 2024-11-26. Review status: criteria provided, single submitter. Criteria: LabCorp Variant Classification Summary - May 2015. Collection method: clinical testing. Allele origin: germline.
Comment: Variant summary: SPG7 c.1082C>T (p.Ala361Val) results in a non-conservative amino acid change located in the AAA+ ATPase domain (IPR003593) of the encoded protein sequence. Five of five in-silico tools predict a damaging effect of the variant on protein function. The variant allele was found at a frequency of 8.7e-06 in 1606878 control chromosomes (gnomAD v4.1). This frequency is not higher than the maximum estimated for a pathogenic variant in SPG7 causing Hereditary Spastic Paraplegia 7, allowing no conclusion about variant significance. The variant, c.1082C>T, has been reported in the literature in heterozygous state in two individuals from the same family, who were affected with Hereditary Spastic Paraplegia 7 (Estiar_2021). This report does not provide unequivocal conclusions about association of the variant with Hereditary Spastic Paraplegia 7. To our knowledge, no experimental evidence demonstrating an impact on protein function has been reported. The following publication have been ascertained in the context of this evaluation (PMID: 33598982). No submitters have cited clinical-significance assessments for this variant to ClinVar. Based on the evidence outlined above, the variant was classified as uncertain significance.

Literature cited by the submitters: PubMed 33598982 (cited by Women's Health and Genetics/Laboratory Corporation of America, LabCorp).